The following is an entry in ClinVar:

NM_000179.3(MSH6):c.2794G>A (p.Gly932Ser)

Gene: MSH6 (mutS homolog 6; plus strand). Cytogenetic location: 2p16.3.
Variant type: single nucleotide variant.
Coding change: c.2794G>A on transcript NM_000179.3 (MANE Select); coding-DNA position 2794, G replaced by A.
Protein change: p.Gly932Ser; replaces glycine 932 with serine.
Molecular consequence: missense variant.
Genome position (GRCh38, 1-based): chr2:47,800,777, G>A. VCF-style: chr2-47800777-G-A. GRCh37 (hg19) VCF-style: chr2-48027916-G-A.
Other names: c.2269G>A, p.Gly757Ser (NM_001406799.1, NM_001406806.1, NM_001406807.1); c.2794G>A, p.Gly932Ser (NM_001406800.1, NM_001406808.1, NM_001406809.1 and 2 more transcripts); c.2497G>A, p.Gly833Ser (NM_001406801.1, NM_001406805.1, NM_001406821.1 and 10 more transcripts); c.2890G>A, p.Gly964Ser (NM_001406802.1, NM_001406795.1); c.2716G>A, p.Gly906Ser (NM_001406804.1); c.1888G>A, p.Gly630Ser (NM_001406823.1, NM_001406829.1, NM_001281493.2 and 6 more transcripts); c.2626G>A, p.Gly876Ser (NM_001406826.1); c.2404G>A, p.Gly802Ser (NM_001281492.2); and 2 more; short protein forms G247S, G630S, G757S, G802S, G833S, G876S, G906S, G932S.
Identifiers: ClinVar variation 1714337 (VCV001714337.6), dbSNP rs2104424379, ClinGen allele CA346755545.

ClinVar aggregate classification (germline): Uncertain significance (1 of 4 stars; one submission).

Conditions:
Hereditary nonpolyposis colorectal neoplasms. Identifiers: MedGen C0009405, MeSH D003123.

Submission:

Labcorp Genetics (formerly Invitae), Labcorp
Classification: Uncertain significance for Hereditary nonpolyposis colorectal neoplasms. Last evaluated: 2022-07-30. Review status: criteria provided, single submitter. Criteria: Invitae Variant Classification Sherloc (09022015). Collection method: clinical testing. Allele origin: germline.
Comment: This variant has not been reported in the literature in individuals affected with MSH6-related conditions. Advanced modeling of protein sequence and biophysical properties (such as structural, functional, and spatial information, amino acid conservation, physicochemical variation, residue mobility, and thermodynamic stability) performed at Invitae indicates that this missense variant is expected to disrupt MSH6 protein function. In summary, the available evidence is currently insufficient to determine the role of this variant in disease. Therefore, it has been classified as a Variant of Uncertain Significance. This variant is not present in population databases (gnomAD no frequency). This sequence change replaces glycine, which is neutral and non-polar, with serine, which is neutral and polar, at codon 932 of the MSH6 protein (p.Gly932Ser).